The following is an entry in ClinVar:

ClinVar aggregate classification (germline): Uncertain significance (1 of 4 stars; one submission).

Conditions:
Agammaglobulinemia 6, autosomal recessive (AGM6). Also called: AGAMMAGLOBULINEMIA 6; AGAMMAGLOBULINEMIA, AUTOSOMAL RECESSIVE, DUE TO CD79B DEFECT. Identifiers: MedGen C3150207, MONDO:0012987, OMIM 612692.

gnomAD v4.1: 3 of 1,613,892 alleles (0.00019%); highest among the groups gnomAD compares: South Asian, 0.0022%; no homozygotes.

Submission:

Labcorp Genetics (formerly Invitae), Labcorp
Classification: Uncertain significance for Agammaglobulinemia 6, autosomal recessive. Last evaluated: 2024-10-02. Review status: criteria provided, single submitter. Criteria: Invitae Variant Classification Sherloc (09022015). Collection method: clinical testing. Allele origin: germline.
Comment: This sequence change replaces alanine, which is neutral and non-polar, with proline, which is neutral and non-polar, at codon 188 of the CD79B protein (p.Ala188Pro). This variant is present in population databases (rs781750148, gnomAD 0.003%). This variant has not been reported in the literature in individuals affected with CD79B-related conditions. An algorithm developed to predict the effect of missense changes on protein structure and function outputs the following: PolyPhen-2: "Benign". The proline amino acid residue is found in multiple mammalian species, which suggests that this missense change does not adversely affect protein function. In summary, the available evidence is currently insufficient to determine the role of this variant in disease. Therefore, it has been classified as a Variant of Uncertain Significance.

NM_000626.4(CD79B):c.562G>C (p.Ala188Pro)

Genes: CD79B (CD79b molecule; minus strand), GH-LCR (growth hormone locus control region; plus strand). Cytogenetic location: 17q23.3.
Variant type: single nucleotide variant.
Coding change: c.562G>C on transcript NM_000626.4 (MANE Select); coding-DNA position 562, G replaced by C.
Protein change: p.Ala188Pro; replaces alanine 188 with proline.
Molecular consequence: missense variant.
Genome position (GRCh38, 1-based): chr17:63,929,463, C>G on the plus strand (G>C on the coding strand, the complement: CD79B is on the minus strand). VCF-style: chr17-63929463-C-G. GRCh37 (hg19) VCF-style: chr17-62006823-C-G.
Other names: c.565G>C, p.Ala189Pro (NM_001039933.3); c.253G>C, p.Ala85Pro (NM_001329050.2); c.250G>C, p.Ala84Pro (NM_021602.4); short protein forms A189P, A85P, A188P, A84P.
Identifiers: ClinVar variation 3722090 (VCV003722090.2).